The following is an entry in ClinVar:

ClinVar aggregate classification (germline): Benign/Likely benign. Review status: criteria provided, multiple submitters, no conflicts (2 of 4 stars). 3 submissions from 3 submitters: Benign (1); Likely benign (1). 1 of the submissions does not count toward it. Last evaluated 2024-12-30.

Conditions:
PLXNA3-related disorder. Also called: PLXNA3-related condition.

Allele frequency attached by ClinVar (database versions not stated): gnomAD exomes 0.00020 and 0.00036; ExAC 0.00040; gnomAD 0.00074 and 0.00080; TOPMed 0.00083; ESP Exome Variant Server 0.00114.
gnomAD v4.1: 304 of 1,210,889 alleles (0.025%); highest among the groups gnomAD compares: African/African-American, 0.19%; 2 homozygotes.

Submissions (3):

Ambry Genetics
Classification: Likely benign. Last evaluated: 2024-12-30. Review status: criteria provided, single submitter. Criteria: Ambry Variant Classification Scheme 2023. Collection method: clinical testing. Allele origin: germline.

Labcorp Genetics (formerly Invitae), Labcorp
Classification: Benign. Last evaluated: 2018-03-30. Review status: criteria provided, single submitter. Criteria: Invitae Variant Classification Sherloc (09022015). Collection method: clinical testing. Allele origin: germline.

PreventionGenetics, part of Exact Sciences
Classification: Likely benign for PLXNA3-related condition. Last evaluated: 2021-06-26. Review status: no assertion criteria provided. Collection method: clinical testing. Allele origin: germline. Not counted in ClinVar's aggregate classification.
Comment: This variant is classified as likely benign based on ACMG/AMP sequence variant interpretation guidelines (Richards et al. 2015 PMID: 25741868, with internal and published modifications).

NM_017514.5(PLXNA3):c.882C>T (p.Ser294=)

Gene: PLXNA3 (plexin A3; plus strand). Cytogenetic location: Xq28.
Variant type: single nucleotide variant.
Coding change: c.882C>T on transcript NM_017514.5 (MANE Select); coding-DNA position 882, C replaced by T.
Protein change: p.Ser294=; no amino-acid change (serine 294 retained).
Molecular consequence: synonymous variant.
Genome position (GRCh38, 1-based): chrX:154,461,386, C>T. VCF-style: chrX-154461386-C-T. GRCh37 (hg19) VCF-style: chrX-153689726-C-T.
Other names: c.882C>T (NM_017514.3).
Identifiers: ClinVar variation 788633 (VCV000788633.6), dbSNP rs140563543, ClinGen allele CA10563847.